The following is an entry in ClinVar:

NM_001035.3(RYR2):c.3587A>T (p.Asp1196Val)

Gene: RYR2 (ryanodine receptor 2; plus strand). Cytogenetic location: 1q43.
Variant type: single nucleotide variant.
Coding change: c.3587A>T on transcript NM_001035.3 (MANE Select); coding-DNA position 3587, A replaced by T.
Protein change: p.Asp1196Val; replaces aspartic acid 1196 with valine.
Molecular consequence: missense variant.
Genome position (GRCh38, 1-based): chr1:237,569,308, A>T. VCF-style: chr1-237569308-A-T. GRCh37 (hg19) VCF-style: chr1-237732608-A-T.
Other names: short protein forms D1196V.
Identifiers: ClinVar variation 1362526 (VCV001362526.9), dbSNP rs1672413818, ClinGen allele CA345390859.
Genomic context (GRCh38, chr1:237,569,308, plus strand): 5'-CACTGAATGGTGAAATCCTTCTTGATGATTCAGGCTCAGAACTGGCTTTCAAGGACTTTG[A>T]TGTTGGCGATGGTAAGTCTACTATGTTTTGTGTTTTTTTTAAGTTTGCAGCACAAGGAAG-3'
Protein context (NP_001026.2, residues 1186-1206): SGSELAFKDF[Asp1196Val]VGDGFIPVCS

ClinVar aggregate classification (germline): Uncertain significance (1 of 4 stars; one submission).

Conditions:
Catecholaminergic polymorphic ventricular tachycardia 1. Also called: RYR2-Related Catecholaminergic Polymorphic Ventricular Tachycardia; VENTRICULAR TACHYCARDIA, CATECHOLAMINERGIC POLYMORPHIC, 1, WITH OR WITHOUT ATRIAL DYSFUNCTION AND/OR DILATED CARDIOMYOPATHY; VENTRICULAR TACHYCARDIA, STRESS-INDUCED POLYMORPHIC 1. Identifiers: Orphanet 3286, MedGen C1631597, MONDO:0011484, OMIM 604772.

Submission:

Labcorp Genetics (formerly Invitae), Labcorp
Classification: Uncertain significance for Catecholaminergic polymorphic ventricular tachycardia 1. Last evaluated: 2020-11-15. Review status: criteria provided, single submitter. Criteria: Invitae Variant Classification Sherloc (09022015). Collection method: clinical testing. Allele origin: germline.
Comment: This variant is not present in population databases (ExAC no frequency). This sequence change replaces aspartic acid with valine at codon 1196 of the RYR2 protein (p.Asp1196Val). The aspartic acid residue is highly conserved and there is a large physicochemical difference between aspartic acid and valine. This variant has not been reported in the literature in individuals with RYR2-related conditions. Advanced modeling of protein sequence and biophysical properties (such as structural, functional, and spatial information, amino acid conservation, physicochemical variation, residue mobility, and thermodynamic stability) performed at Invitae indicates that this missense variant is not expected to disrupt RYR2 protein function. In summary, the available evidence is currently insufficient to determine the role of this variant in disease. Therefore, it has been classified as a Variant of Uncertain Significance.